The following is an entry in ClinVar:

ClinVar aggregate classification (germline): Conflicting classifications of pathogenicity. Review status: criteria provided, conflicting classifications (1 of 4 stars). 8 submissions from 7 submitters: Uncertain significance (3); Likely benign (5). Last evaluated 2026-03-01.

Conditions:
Early-infantile DEE. Also called: Ohtahara syndrome; Early infantile epileptic encephalopathy with suppression bursts; Early infantile epileptic encephalopathy. Identifiers: Orphanet 1934, MedGen C0393706, MONDO:0800491.
Generalized epilepsy with febrile seizures plus, type 2 (GEFSP2). Also called: GEFS+, TYPE 2. Identifiers: Orphanet 36387, MedGen C1858673, MONDO:0011461, OMIM 604403.
Migraine, familial hemiplegic, 3. Identifiers: Orphanet 569, MedGen C1864987, MONDO:0012320, OMIM 609634.

Allele frequency attached by ClinVar (database versions not stated): TOPMed 0.00001; gnomAD exomes 0.00004; ExAC 0.00006; ESP Exome Variant Server 0.00008; gnomAD 0.00016.
gnomAD v4.1: 48 of 1,614,044 alleles (0.003%); highest among the groups gnomAD compares: Non-Finnish European, 0.0037%; no homozygotes.

Submissions (8):

CeGaT Center for Human Genetics Tuebingen
Classification: Likely benign. Last evaluated: 2026-03-01. Review status: criteria provided, single submitter. Criteria: CeGaT Center For Human Genetics Tuebingen Variant Classification Criteria Version 2. Collection method: clinical testing. Allele origin: germline. Affected: yes. Observed: 5 variant alleles.
Comment: SCN1A: BS1

Women's Health and Genetics/Laboratory Corporation of America, LabCorp
Classification: Likely benign. Last evaluated: 2025-10-23. Review status: criteria provided, single submitter. Criteria: LabCorp Variant Classification Summary - May 2015. Collection method: clinical testing. Allele origin: germline.
Comment: Variant summary: SCN1A c.1889G>A (p.Arg630Gln) results in a conservative amino acid change in the encoded protein sequence. Algorithms developed to predict the effect of missense changes on protein structure and function all suggest that this variant is likely to be tolerated. The variant allele was found at a frequency of 4.4e-05 in 251344 control chromosomes. The observed variant frequency exceeds the estimated maximal expected allele frequency for disease-causing variants in SCN1A. To our knowledge, no occurrence of c.1889G>A in individuals affected with SCN1A-related conditions and no experimental evidence demonstrating its impact on protein function have been reported. ClinVar contains an entry for this variant (Variation ID: 193839). Based on the evidence outlined above, the variant was classified as likely benign.

Labcorp Genetics (formerly Invitae), Labcorp
Classification: Likely benign for Early-infantile DEE. Last evaluated: 2025-08-10. Review status: criteria provided, single submitter. Criteria: Invitae Variant Classification Sherloc (09022015). Collection method: clinical testing. Allele origin: germline.

Blueprint Genetics
Classification: Likely benign. Last evaluated: 2023-09-04. Review status: criteria provided, single submitter. Criteria: ACMG Guidelines, 2015. Collection method: clinical testing. Allele origin: germline.

GeneDx
Classification: Likely benign. Last evaluated: 2020-01-28. Review status: criteria provided, single submitter. Criteria: GeneDx Variant Classification Process June 2021. Collection method: clinical testing. Allele origin: germline. Affected: yes.
Comment: This variant is associated with the following publications: (PMID: 28377322)

Illumina Laboratory Services, Illumina
Classification: Uncertain significance for Migraine, familial hemiplegic, 3. Last evaluated: 2018-01-13. Review status: criteria provided, single submitter. Criteria: ICSL Variant Classification Criteria 13 December 2019. Collection method: clinical testing. Allele origin: germline.

Illumina Laboratory Services, Illumina
Classification: Uncertain significance for Generalized epilepsy with febrile seizures plus, type 2. Last evaluated: 2018-01-13. Review status: criteria provided, single submitter. Criteria: ICSL Variant Classification Criteria 13 December 2019. Collection method: clinical testing. Allele origin: germline.

Eurofins Ntd Llc (ga)
Classification: Uncertain significance. Last evaluated: 2015-03-16. Review status: criteria provided, single submitter. Criteria: EGL Classification Definitions 2015. Collection method: clinical testing. Allele origin: germline. Observed: 1 variant allele, 1 heterozygote.

NM_001165963.4(SCN1A):c.1889G>A (p.Arg630Gln)

Gene: SCN1A (sodium voltage-gated channel alpha subunit 1; minus strand). Cytogenetic location: 2q24.3.
Variant type: single nucleotide variant.
Coding change: c.1889G>A on transcript NM_001165963.4 (MANE Select); coding-DNA position 1889, G replaced by A.
Protein change: p.Arg630Gln; replaces arginine 630 with glutamine.
Molecular consequence: missense variant. On other transcripts: 5 prime UTR variant (1), non-coding transcript variant (1).
Genome position (GRCh38, 1-based): chr2:166,043,823, C>T on the plus strand (G>A on the coding strand, the complement: SCN1A is on the minus strand). VCF-style: chr2-166043823-C-T. GRCh37 (hg19) VCF-style: chr2-166900333-C-T.
Other names: p.R630Q:CGG>CAG; c.1889G>A, p.Arg630Gln (NM_001165964.3, NM_001202435.3, NM_001353948.2 and 7 more transcripts); c.1886G>A, p.Arg629Gln (NM_001353954.2, NM_001353955.2, NM_001353960.2); c.-537G>A (NM_001353961.2); short protein forms R630Q, R629Q.
Identifiers: ClinVar variation 193839 (VCV000193839.64), dbSNP rs145670933, ClinGen allele CA239508.